The following is an entry in ClinVar:

NM_025137.4(SPG11):c.821T>C (p.Val274Ala)

Gene: SPG11 (SPG11 vesicle trafficking associated, spatacsin; minus strand). Cytogenetic location: 15q21.1.
Variant type: single nucleotide variant.
Coding change: c.821T>C on transcript NM_025137.4 (MANE Select); coding-DNA position 821, T replaced by C.
Protein change: p.Val274Ala; replaces valine 274 with alanine.
Molecular consequence: missense variant.
Genome position (GRCh38, 1-based): chr15:44,657,143, A>G on the plus strand (T>C on the coding strand, the complement: SPG11 is on the minus strand). VCF-style: chr15-44657143-A-G. GRCh37 (hg19) VCF-style: chr15-44949341-A-G.
Other names: c.821T>C, p.Val274Ala (NM_001160227.2); short protein forms V274A.
Identifiers: ClinVar variation 1403580 (VCV001403580.3), dbSNP rs1050146375, ClinGen allele CA270107430.
Genomic context (GRCh38, chr15:44,657,143, plus strand): 5'-TCATCTACATACCTGAAATACAAATTTAAGTTAAGAGCAACTGCGGAGTTGGAGGAGCTG[A>G]CAATCACTGCAACATCGAGGTCTTGAGAAACTTTCAGTGAAGTAAATGAAGAAATCTTGG-3'
Protein context (NP_079413.3, residues 264-284): VSQDLDVAVI[Val274Ala]SSSNSAVALN

ClinVar aggregate classification (germline): Uncertain significance (1 of 4 stars; one submission).

Conditions:
Hereditary spastic paraplegia 11. Also called: Nakamura Osame syndrome; Autosomal recessive hereditary spastic paraplegia, mental impairment, and thin corpus callosum; Spastic Paraplegia 11; SPASTIC PARAPLEGIA, AUTOSOMAL RECESSIVE, COMPLICATED, WITH THIN CORPUS CALLOSUM; SPASTIC PARAPLEGIA, AUTOSOMAL RECESSIVE, WITH MENTAL IMPAIRMENT AND THIN CORPUS CALLOSUM; Spastic paraplegia, mental retardation and thin corpus callosum. Identifiers: Orphanet 2822, MedGen C1858479, MONDO:0011445, OMIM 604360.

Allele frequency attached by ClinVar (database versions not stated): gnomAD exomes below 0.00001; TOPMed below 0.00001.
gnomAD v4.1: 3 of 1,614,220 alleles (0.00019%); highest among the groups gnomAD compares: Admixed American, 0.005%; no homozygotes.

Submission:

Labcorp Genetics (formerly Invitae), Labcorp
Classification: Uncertain significance for Hereditary spastic paraplegia 11. Last evaluated: 2022-08-15. Review status: criteria provided, single submitter. Criteria: Invitae Variant Classification Sherloc (09022015). Collection method: clinical testing. Allele origin: germline.
Comment: This sequence change replaces valine, which is neutral and non-polar, with alanine, which is neutral and non-polar, at codon 274 of the SPG11 protein (p.Val274Ala). This variant is not present in population databases (gnomAD no frequency). This variant has not been reported in the literature in individuals affected with SPG11-related conditions. ClinVar contains an entry for this variant (Variation ID: 1403580). Algorithms developed to predict the effect of missense changes on protein structure and function are either unavailable or do not agree on the potential impact of this missense change (SIFT: "Deleterious"; PolyPhen-2: "Benign"; Align-GVGD: "Class C0"). In summary, the available evidence is currently insufficient to determine the role of this variant in disease. Therefore, it has been classified as a Variant of Uncertain Significance.